The following is an entry in ClinVar:

ClinVar aggregate classification (germline): Likely benign. Review status: criteria provided, multiple submitters, no conflicts (2 of 4 stars). 3 submissions from 3 submitters: Likely benign (2). 1 of the submissions does not count toward it. Last evaluated 2025-09-07.

Conditions:
TBX1-related disorder. Also called: TBX1-Related Disorders; TBX1-related condition.
Cardiovascular phenotype. Identifiers: MedGen CN230736.
DiGeorge syndrome. Also called: THIRD AND FOURTH PHARYNGEAL POUCH SYNDROME; Catch22. Identifiers: Orphanet 567, MedGen C0012236, MONDO:0008564, OMIM 188400.

Allele frequency attached by ClinVar (database versions not stated): gnomAD 0.00001 and 0.00002; TOPMed 0.00002.
gnomAD v4.1: 7 of 1,347,772 alleles (0.00052%); highest among the groups gnomAD compares: Non-Finnish European, 0.00066%; no homozygotes.

Submissions (3):

Labcorp Genetics (formerly Invitae), Labcorp
Classification: Likely benign for DiGeorge syndrome. Last evaluated: 2025-09-07. Review status: criteria provided, single submitter. Criteria: Invitae Variant Classification Sherloc (09022015). Collection method: clinical testing. Allele origin: germline.

Ambry Genetics
Classification: Likely benign for Cardiovascular phenotype. Last evaluated: 2025-03-14. Review status: criteria provided, single submitter. Criteria: Ambry Variant Classification Scheme 2023. Collection method: clinical testing. Allele origin: germline.

PreventionGenetics, part of Exact Sciences
Classification: Likely benign for TBX1-related condition. Last evaluated: 2024-06-11. Review status: no assertion criteria provided. Collection method: clinical testing. Allele origin: germline. Not counted in ClinVar's aggregate classification.
Comment: This variant is classified as likely benign based on ACMG/AMP sequence variant interpretation guidelines (Richards et al. 2015 PMID: 25741868, with internal and published modifications).

NM_001379200.1(TBX1):c.1188C>T (p.Gly396=)

Gene: TBX1 (T-box transcription factor 1; plus strand). Cytogenetic location: 22q11.21.
Variant type: single nucleotide variant.
Coding change: c.1188C>T on transcript NM_001379200.1 (MANE Select); coding-DNA position 1188, C replaced by T.
Protein change: p.Gly396=; no amino-acid change (glycine 396 retained).
Molecular consequence: synonymous variant. On other transcripts: intron variant (2).
Genome position (GRCh38, 1-based): chr22:19,766,540, C>T. VCF-style: chr22-19766540-C-T. GRCh37 (hg19) VCF-style: chr22-19754063-C-T.
Other names: c.1161C>T, p.Gly387= (NM_080647.1); c.1009+538C>T (NM_005992.1, NM_080646.2).
Identifiers: ClinVar variation 1347298 (VCV001347298.10), dbSNP rs1046003511, ClinGen allele CA322058224.